The following is an entry in ClinVar:

NM_016284.5(CNOT1):c.4313G>T (p.Arg1438Leu)

Gene: CNOT1 (CCR4-NOT transcription complex subunit 1; minus strand). Cytogenetic location: 16q21.
Variant type: single nucleotide variant.
Coding change: c.4313G>T on transcript NM_016284.5 (MANE Select); coding-DNA position 4313, G replaced by T.
Protein change: p.Arg1438Leu; replaces arginine 1438 with leucine.
Molecular consequence: missense variant. On other transcripts: non-coding transcript variant (1).
Genome position (GRCh38, 1-based): chr16:58,543,728, C>A on the plus strand (G>T on the coding strand, the complement: CNOT1 is on the minus strand). VCF-style: chr16-58543728-C-A. GRCh37 (hg19) VCF-style: chr16-58577632-C-A.
Other names: c.4298G>T, p.Arg1433Leu (NM_001265612.2); c.4313G>T, p.Arg1438Leu (NM_206999.3); short protein forms R1433L, R1438L.
Identifiers: ClinVar variation 3769711 (VCV003769711.1).

ClinVar aggregate classification (germline): Uncertain significance (1 of 4 stars; one submission).

Submission:

GeneDx
Classification: Uncertain significance. Last evaluated: 2024-09-16. Review status: criteria provided, single submitter. Criteria: GeneDx Variant Classification Process June 2021. Collection method: clinical testing. Allele origin: germline. Affected: yes.
Comment: Not observed at significant frequency in large population cohorts (gnomAD); In silico analysis supports that this missense variant has a deleterious effect on protein structure/function; Has not been previously published as pathogenic or benign to our knowledge